The following is an entry in ClinVar:

NM_004448.4(ERBB2):c.1238C>G (p.Ser413Ter)

Gene: ERBB2 (erb-b2 receptor tyrosine kinase 2; plus strand). Cytogenetic location: 17q12.
Variant type: single nucleotide variant.
Coding change: c.1238C>G on transcript NM_004448.4 (MANE Select); coding-DNA position 1238, C replaced by G.
Protein change: p.Ser413Ter; replaces serine 413 with a stop codon.
Molecular consequence: nonsense. On other transcripts: non-coding transcript variant (1), intron variant (1).
Genome position (GRCh38, 1-based): chr17:39,715,461, C>G. VCF-style: chr17-39715461-C-G. GRCh37 (hg19) VCF-style: chr17-37871714-C-G.
Other names: c.1148C>G, p.Ser383Ter (NM_001005862.3, NM_001289938.2, NM_001382782.1 and 1 more transcripts); c.1193C>G, p.Ser398Ter (NM_001289936.2); c.1238C>G, p.Ser413Ter (NM_001289937.2, NM_001382785.1, NM_001382788.1 and 13 more transcripts); c.1355C>G, p.Ser452Ter (NM_001382784.1, NM_001382786.1); c.1313C>G, p.Ser438Ter (NM_001382787.1); c.1229C>G, p.Ser410Ter (NM_001382791.1); c.1058C>G, p.Ser353Ter (NM_001382799.1); c.980C>G, p.Ser327Ter (NM_001382802.1); and 2 more; short protein forms S327*, S438*, S137*, S353*, S383*, S398*, S413*, S410*.
Identifiers: ClinVar variation 2006627 (VCV002006627.4), dbSNP rs2059065272, ClinGen allele CA399289477.

ClinVar aggregate classification (germline): Uncertain significance (1 of 4 stars; one submission).

Submission:

Labcorp Genetics (formerly Invitae), Labcorp
Classification: Uncertain significance. Last evaluated: 2022-06-14. Review status: criteria provided, single submitter. Criteria: Invitae Variant Classification Sherloc (09022015). Collection method: clinical testing. Allele origin: germline.
Comment: In summary, the available evidence is currently insufficient to determine the role of this variant in disease. Therefore, it has been classified as a Variant of Uncertain Significance. This variant has not been reported in the literature in individuals affected with ERBB2-related conditions. This variant is not present in population databases (gnomAD no frequency). This sequence change creates a premature translational stop signal (p.Ser413*) in the ERBB2 gene. It is expected to result in an absent or disrupted protein product. However, the current clinical and genetic evidence is not sufficient to establish whether loss-of-function variants in ERBB2 cause disease.